The following is an entry in ClinVar:

ClinVar aggregate classification (germline): Uncertain significance (1 of 4 stars; one submission).

Conditions:
Inborn genetic diseases. Identifiers: MedGen C0950123, MeSH D030342.

Allele frequency attached by ClinVar (database versions not stated): gnomAD exomes below 0.00001.

Submission:

Ambry Genetics
Classification: Uncertain significance for Inborn genetic diseases. Last evaluated: 2021-12-04. Review status: criteria provided, single submitter. Criteria: Ambry Variant Classification Scheme 2023. Collection method: clinical testing. Allele origin: germline.
Comment: The p.V261I variant (also known as c.781G>A), located in coding exon 8 of the RAD51 gene, results from a G to A substitution at nucleotide position 781. The valine at codon 261 is replaced by isoleucine, an amino acid with highly similar properties. This amino acid position is conserved. In addition, this alteration is predicted to be tolerated by in silico analysis. Since supporting evidence is limited at this time, the clinical significance of this alteration remains unclear.

NM_002875.5(RAD51):c.781G>A (p.Val261Ile)

Gene: RAD51 (RAD51 recombinase; plus strand). Cytogenetic location: 15q15.1.
Variant type: single nucleotide variant.
Coding change: c.781G>A on transcript NM_002875.5 (MANE Select); coding-DNA position 781, G replaced by A.
Protein change: p.Val261Ile; replaces valine 261 with isoleucine.
Molecular consequence: missense variant. On other transcripts: intron variant (1).
Genome position (GRCh38, 1-based): chr15:40,729,859, G>A. VCF-style: chr15-40729859-G-A. GRCh37 (hg19) VCF-style: chr15-41022057-G-A.
Other names: c.784G>A, p.Val262Ile (NM_001164269.2, NM_133487.4); c.774+225G>A (NM_001164270.2); short protein forms V261I, V262I.
Identifiers: ClinVar variation 1760770 (VCV001760770.2), dbSNP rs2141883349, ClinGen allele CA391759541.